The following is an entry in ClinVar:

NM_002437.5(MPV17):c.409-3C>T

Gene: MPV17 (mitochondrial inner membrane protein MPV17; minus strand). Cytogenetic location: 2p23.3.
Variant type: single nucleotide variant.
Coding change: c.409-3C>T on transcript NM_002437.5 (MANE Select); 3 bases into the intron before coding-DNA position 409, C replaced by T.
Molecular consequence: intron variant.
Genome position (GRCh38, 1-based): chr2:27,311,954, G>A on the plus strand (C>T on the coding strand, the complement: MPV17 is on the minus strand). VCF-style: chr2-27311954-G-A. GRCh37 (hg19) VCF-style: chr2-27534822-G-A.
Identifiers: ClinVar variation 3054799 (VCV003054799.2), dbSNP rs776651400, ClinGen allele CA44517561.

ClinVar aggregate classification (germline): Likely benign (0 of 4 stars; one submission).

Conditions:
MPV17-related disorder. Also called: MPV17-related disorders; MPV17-related condition. Identifiers: MedGen CN239328.

Allele frequency attached by ClinVar (database versions not stated): gnomAD exomes 0.00001.
gnomAD v4.1: 9 of 1,613,482 alleles (0.00056%); highest among the groups gnomAD compares: Non-Finnish European, 0.00076%; no homozygotes.

Submission:

PreventionGenetics, part of Exact Sciences
Classification: Likely benign for MPV17-related condition. Last evaluated: 2020-03-30. Review status: no assertion criteria provided. Collection method: clinical testing. Allele origin: germline.
Comment: This variant is classified as likely benign based on ACMG/AMP sequence variant interpretation guidelines (Richards et al. 2015 PMID: 25741868, with internal and published modifications).